The following is an entry in ClinVar:

ClinVar aggregate classification (germline): Uncertain significance. Review status: criteria provided, multiple submitters, no conflicts (2 of 4 stars). 4 submissions from 4 submitters: Uncertain significance (4). Last evaluated 2026-02-26.

Conditions:
DCHS1-related disorder. Also called: DCHS1-related condition.
Van Maldergem syndrome 1 (VMLDS1). Also called: Van Maldergem syndrome 1 (VMLDS1). Identifiers: Orphanet 314679, MedGen C4551950, MONDO:0011070, OMIM 601390.

Allele frequency attached by ClinVar (database versions not stated): gnomAD 0.00005; TOPMed 0.00006; ESP Exome Variant Server 0.00008; ExAC 0.00009; gnomAD exomes 0.00010 and 0.00014.
gnomAD v4.1: 202 of 1,594,040 alleles (0.013%); highest among the groups gnomAD compares: Non-Finnish European, 0.017%; no homozygotes.

Submissions (4):

Clinical Genomics Laboratory, Washington University in St. Louis
Classification: Uncertain significance for Van Maldergem syndrome 1. Last evaluated: 2026-02-26. Review status: criteria provided, single submitter. Criteria: ACMG Guidelines, 2015. Collection method: clinical testing. Allele origin: germline.
Comment: A DCHS1 c.8443G>A (p.Ala2815Thr) variant was identified at a near heterozygous allelic fraction of 49.6%, a frequency that may be consistent with germline origin. This variant, to our knowledge, has not been reported in the medical literature but has been reported in the ClinVar database as a germline variant of uncertain significance by two submitters (ClinVar Variation ID: 1427887). Computational predictors suggest that the variant does not impact DCHS1 function. Due to limited information, and based on ACMG/AMP guidelines for variant interpretation (Richards S et al., PMID: 25741868), the clinical significance of this variant is uncertain at this time.

Labcorp Genetics (formerly Invitae), Labcorp
Classification: Uncertain significance. Last evaluated: 2025-12-10. Review status: criteria provided, single submitter. Criteria: Invitae Variant Classification Sherloc (09022015). Collection method: clinical testing. Allele origin: germline.
Comment: This sequence change replaces alanine, which is neutral and non-polar, with threonine, which is neutral and polar, at codon 2815 of the DCHS1 protein (p.Ala2815Thr). This variant is present in population databases (rs145646294, gnomAD 0.02%). This variant has not been reported in the literature in individuals affected with DCHS1-related conditions. ClinVar contains an entry for this variant (Variation ID: 1427887). Invitae Evidence Modeling of protein sequence and biophysical properties (such as structural, functional, and spatial information, amino acid conservation, physicochemical variation, residue mobility, and thermodynamic stability) indicates that this missense variant is expected to disrupt DCHS1 protein function with a positive predictive value of 80%. In summary, the available evidence is currently insufficient to determine the role of this variant in disease. Therefore, it has been classified as a Variant of Uncertain Significance.

PreventionGenetics, part of Exact Sciences
Classification: Uncertain significance for DCHS1-related condition. Last evaluated: 2025-05-12. Review status: criteria provided, single submitter. Criteria: ACMG Guidelines, 2015. Collection method: clinical testing. Allele origin: germline.
Comment: The DCHS1 c.8443G>A variant is predicted to result in the amino acid substitution p.Ala2815Thr. To our knowledge, this variant has not been reported in the literature. This variant is reported in 0.020% of alleles in individuals of European (Non-Finnish) descent in gnomAD. At this time, the clinical significance of this variant is uncertain due to the absence of conclusive functional and genetic evidence.

GeneDx
Classification: Uncertain significance. Last evaluated: 2025-04-04. Review status: criteria provided, single submitter. Criteria: GeneDx Variant Classification Process June 2021. Collection method: clinical testing. Allele origin: germline. Affected: yes.
Comment: In silico analysis indicates that this missense variant does not alter protein structure/function; Has not been previously published as pathogenic or benign to our knowledge

NM_003737.4(DCHS1):c.8443G>A (p.Ala2815Thr)

Gene: DCHS1 (dachsous cadherin-related 1; minus strand). Cytogenetic location: 11p15.4.
Variant type: single nucleotide variant.
Coding change: c.8443G>A on transcript NM_003737.4 (MANE Select); coding-DNA position 8443, G replaced by A.
Protein change: p.Ala2815Thr; replaces alanine 2815 with threonine.
Molecular consequence: missense variant.
Genome position (GRCh38, 1-based): chr11:6,623,233, C>T on the plus strand (G>A on the coding strand, the complement: DCHS1 is on the minus strand). VCF-style: chr11-6623233-C-T. GRCh37 (hg19) VCF-style: chr11-6644464-C-T.
Other names: c.8443G>A (NM_003737.3); short protein forms A2815T.
Identifiers: ClinVar variation 1427887 (VCV001427887.9), dbSNP rs145646294, ClinGen allele CA5859418.